The following is an entry in ClinVar:

NM_001035.3(RYR2):c.3720C>T (p.Ala1240=)

Gene: RYR2 (ryanodine receptor 2; plus strand). Cytogenetic location: 1q43.
Variant type: single nucleotide variant.
Coding change: c.3720C>T on transcript NM_001035.3 (MANE Select); coding-DNA position 3720, C replaced by T.
Protein change: p.Ala1240=; no amino-acid change (alanine 1240 retained).
Molecular consequence: synonymous variant.
Genome position (GRCh38, 1-based): chr1:237,589,914, C>T. VCF-style: chr1-237589914-C-T. GRCh37 (hg19) VCF-style: chr1-237753214-C-T.
Other names: p.A1240A:GCC>GCT; c.3720C>T, p.Ala1240= (LRG_402t1).
Identifiers: ClinVar variation 201167 (VCV000201167.27), dbSNP rs750335699, ClinGen allele CA009326.
Genomic context (GRCh38, chr1:237,589,914, plus strand): 5'-TGTCAGCACCTTGAAATATTTCACCATCTGTGGCTTACAAGAGGGCTATGAACCATTTGC[C>T]GTTAATACAAACAGGGATATTACCATGTGGCTGAGCAAGAGGCTTCCTCAGTTTCTTCAA-3'
Protein context (NP_001026.2, residues 1230-1250): CGLQEGYEPF[Ala1240=]VNTNRDITMW

ClinVar aggregate classification (germline): Benign/Likely benign. Review status: criteria provided, multiple submitters, no conflicts (2 of 4 stars). 9 submissions from 9 submitters: Benign (5); Likely benign (3). 1 of the submissions does not count toward it. Last evaluated 2025-12-09.

Conditions:
RYR2-related disorder. Also called: RYR2-related condition.
Cardiovascular phenotype. Identifiers: MedGen CN230736.
Catecholaminergic polymorphic ventricular tachycardia (CVPT). Also called: Catecholamine-induced polymorphic ventricular tachycardia. Identifiers: Orphanet 3286, MedGen C5574922, MONDO:0017990.
Cardiomyopathy (CMYO). Also called: Cardiomyopathies. Identifiers: Orphanet 167848, MedGen C0878544, MONDO:0004994, HP:0001638. Inheritance: Various modes of inheritance.
Catecholaminergic polymorphic ventricular tachycardia 1. Also called: VENTRICULAR TACHYCARDIA, CATECHOLAMINERGIC POLYMORPHIC, 1, WITH OR WITHOUT ATRIAL DYSFUNCTION AND/OR DILATED CARDIOMYOPATHY; VENTRICULAR TACHYCARDIA, STRESS-INDUCED POLYMORPHIC 1; RYR2-Related Catecholaminergic Polymorphic Ventricular Tachycardia. Identifiers: Orphanet 3286, MedGen C1631597, MONDO:0011484, OMIM 604772.

Allele frequency attached by ClinVar (database versions not stated): gnomAD 0.00024 and 0.00021; TOPMed 0.00005; gnomAD exomes 0.00011 and 0.00016; ExAC 0.00016.
gnomAD v4.1: 198 of 1,613,708 alleles (0.012%); highest among the groups gnomAD compares: Non-Finnish European, 0.0081%; no homozygotes.

Submissions (9):

Labcorp Genetics (formerly Invitae), Labcorp
Classification: Benign for Catecholaminergic polymorphic ventricular tachycardia 1. Last evaluated: 2025-12-09. Review status: criteria provided, single submitter. Criteria: Invitae Variant Classification Sherloc (09022015). Collection method: clinical testing. Allele origin: germline.

Women's Health and Genetics/Laboratory Corporation of America, LabCorp
Classification: Benign. Last evaluated: 2024-11-29. Review status: criteria provided, single submitter. Criteria: LabCorp Variant Classification Summary - May 2015. Collection method: clinical testing. Allele origin: germline.

Blueprint Genetics
Classification: Likely benign. Last evaluated: 2024-05-28. Review status: criteria provided, single submitter. Criteria: ACMG Guidelines, 2015. Collection method: clinical testing. Allele origin: germline.

All of Us Research Program, National Institutes of Health
Classification: Benign for Catecholaminergic polymorphic ventricular tachycardia. Last evaluated: 2023-11-02. Review status: criteria provided, single submitter. Criteria: ACMG Guidelines, 2015. Collection method: clinical testing. Allele origin: germline. Inheritance: Autosomal dominant inheritance. Observed: 12 variant alleles, 12 heterozygotes.
Comment: This study involves interpretation of variants in research participants for the purpose of population health screening. Participant phenotype was not available at the time of variant classification. Additional details can be found in publication PMID: 35346344, PMCID: PMC8962531

Ambry Genetics
Classification: Likely benign for Cardiovascular phenotype. Last evaluated: 2020-06-29. Review status: criteria provided, single submitter. Criteria: Ambry Variant Classification Scheme 2023. Collection method: clinical testing. Allele origin: germline.

Color Diagnostics, LLC DBA Color Health
Classification: Benign for Cardiomyopathy. Last evaluated: 2018-12-10. Review status: criteria provided, single submitter. Criteria: ACMG Guidelines, 2015. Collection method: clinical testing. Allele origin: germline.

CHEO Genetics Diagnostic Laboratory, Children's Hospital of Eastern Ontario
Classification: Likely benign for Cardiomyopathy. Last evaluated: 2017-06-16. Review status: criteria provided, single submitter. Criteria: ACMG Guidelines, 2015. Collection method: clinical testing. Allele origin: germline. Study: Canadian Open Genetics Repository.

GeneDx
Classification: Benign. Last evaluated: 2014-09-15. Review status: criteria provided, single submitter. Criteria: GeneDx Variant Classification (06012015). Collection method: clinical testing. Allele origin: germline. Affected: yes.
Comment: This variant is considered likely benign or benign based on one or more of the following criteria: it is a conservative change, it occurs at a poorly conserved position in the protein, it is predicted to be benign by multiple in silico algorithms, and/or has population frequency not consistent with disease.

PreventionGenetics, part of Exact Sciences
Classification: Likely benign for RYR2-related condition. Last evaluated: 2019-04-25. Review status: no assertion criteria provided. Collection method: clinical testing. Allele origin: germline. Not counted in ClinVar's aggregate classification.
Comment: This variant is classified as likely benign based on ACMG/AMP sequence variant interpretation guidelines (Richards et al. 2015 PMID: 25741868, with internal and published modifications).